The following is an entry in ClinVar:

ClinVar aggregate classification (germline): Uncertain significance (1 of 4 stars; one submission).

Submission:

Labcorp Genetics (formerly Invitae), Labcorp
Classification: Uncertain significance. Last evaluated: 2023-06-24. Review status: criteria provided, single submitter. Criteria: Invitae Variant Classification Sherloc (09022015). Collection method: clinical testing. Allele origin: germline.
Comment: In summary, the available evidence is currently insufficient to determine the role of this variant in disease. Therefore, it has been classified as a Variant of Uncertain Significance. Advanced modeling of protein sequence and biophysical properties (such as structural, functional, and spatial information, amino acid conservation, physicochemical variation, residue mobility, and thermodynamic stability) performed at Invitae indicates that this missense variant is not expected to disrupt PLG protein function. This variant has not been reported in the literature in individuals affected with PLG-related conditions. This variant is not present in population databases (gnomAD no frequency). This sequence change replaces glutamine, which is neutral and polar, with lysine, which is basic and polar, at codon 40 of the PLG protein (p.Gln40Lys).

NM_000301.5(PLG):c.118C>A (p.Gln40Lys)

Gene: PLG (plasminogen; plus strand). Cytogenetic location: 6q26.
Variant type: single nucleotide variant.
Coding change: c.118C>A on transcript NM_000301.5 (MANE Select); coding-DNA position 118, C replaced by A.
Protein change: p.Gln40Lys; replaces glutamine 40 with lysine.
Molecular consequence: missense variant.
Genome position (GRCh38, 1-based): chr6:160,706,475, C>A. VCF-style: chr6-160706475-C-A. GRCh37 (hg19) VCF-style: chr6-161127507-C-A.
Other names: c.118C>A, p.Gln40Lys (NM_001168338.1); short protein forms Q40K.
Identifiers: ClinVar variation 2872482 (VCV002872482.3), dbSNP rs1262077328, ClinGen allele CA366357215.